The following is an entry in ClinVar:

NM_152443.3(RDH12):c.780G>C (p.Glu260Asp)

Genes: RDH12 (retinol dehydrogenase 12; plus strand), GPHN (gephyrin; plus strand), ZFYVE26 (zinc finger FYVE-type containing 26; minus strand). Cytogenetic location: 14q24.1.
Variant type: single nucleotide variant.
Coding change: c.780G>C on transcript NM_152443.3 (MANE Select); coding-DNA position 780, G replaced by C.
Protein change: p.Glu260Asp; replaces glutamic acid 260 with aspartic acid.
Molecular consequence: missense variant.
Genome position (GRCh38, 1-based): chr14:67,729,312, G>C. VCF-style: chr14-67729312-G-C. GRCh37 (hg19) VCF-style: chr14-68196029-G-C.
Other names: c.780G>C (NM_152443.2); short protein forms E260D.
Identifiers: ClinVar variation 4922189 (VCV004922189.2).

ClinVar aggregate classification (germline): Uncertain significance. Review status: criteria provided, multiple submitters, no conflicts (2 of 4 stars). 2 submissions from 2 submitters: Uncertain significance (2). Last evaluated 2026-06-16.

Conditions:
RDH12-related disorder. Also called: RDH12-related condition; RDH12-related disorders.

gnomAD v4.1: 11 of 1,600,908 alleles (0.00069%); highest among the groups gnomAD compares: Non-Finnish European, 0.00076%; no homozygotes.

Submissions (2):

PreventionGenetics, part of Exact Sciences
Classification: Uncertain significance for RDH12-related condition. Last evaluated: 2026-06-16. Review status: criteria provided, single submitter. Criteria: ACMG Guidelines, 2015. Collection method: clinical testing. Allele origin: germline.
Comment: The RDH12 c.780G>C variant is predicted to result in the amino acid substitution p.Glu260Asp. To our knowledge, this variant has not been reported in the literature. This variant is present in 0.0024% of alleles in individuals of European (Non-Finnish) descent in gnomAD. At this time, the clinical significance of this variant is uncertain due to the absence of conclusive functional and genetic evidence.

Blueprint Genetics
Classification: Uncertain significance. Last evaluated: 2022-03-21. Review status: criteria provided, single submitter. Criteria: ACMG Guidelines, 2015. Collection method: clinical testing. Allele origin: germline.